The following is an entry in ClinVar:

ClinVar aggregate classification (germline): Likely benign. Review status: criteria provided, multiple submitters, no conflicts (2 of 4 stars). 4 submissions from 4 submitters: Likely benign (4). Last evaluated 2026-06-18.

Conditions:
Cardiovascular phenotype. Identifiers: MedGen CN230736.
Osteogenesis imperfecta type I (OI1). Also called: Lobstein disease; OI, TYPE I; OSTEOGENESIS IMPERFECTA TARDA; OSTEOGENESIS IMPERFECTA WITH BLUE SCLERAE; Classic Non-deforming Osteogenesis Imperfecta with Blue Sclerae; Osteogenesis imperfecta type 1. Identifiers: Orphanet 216796, Orphanet 666, MedGen C0023931, MONDO:0008146, OMIM 166200. Disease mechanism: loss of function.

Allele frequency attached by ClinVar (database versions not stated): gnomAD 0.00002 and 0.00001; 1000 Genomes Project 30x 0.00016; 1000 Genomes Project 0.00020; TOPMed 0.00001; gnomAD exomes 0.00002 and 0.00001; ExAC 0.00002.

Submissions (4):

Ambry Genetics
Classification: Likely benign for Cardiovascular phenotype. Last evaluated: 2026-06-18. Review status: criteria provided, single submitter. Criteria: Ambry Variant Classification Scheme 2023. Collection method: clinical testing. Allele origin: germline.

Labcorp Genetics (formerly Invitae), Labcorp
Classification: Likely benign for Osteogenesis imperfecta type I. Last evaluated: 2026-01-28. Review status: criteria provided, single submitter. Criteria: Invitae Variant Classification Sherloc (09022015). Collection method: clinical testing. Allele origin: germline.

Women's Health and Genetics/Laboratory Corporation of America, LabCorp
Classification: Likely benign. Last evaluated: 2025-10-15. Review status: criteria provided, single submitter. Criteria: LabCorp Variant Classification Summary - May 2015. Collection method: clinical testing. Allele origin: germline.

Mayo Clinic Laboratories, Mayo Clinic
Classification: Likely benign. Last evaluated: 2025-05-20. Review status: criteria provided, single submitter. Criteria: ACMG Guidelines, 2015. Collection method: clinical testing. Allele origin: germline. Observed: 2 variant alleles.
Comment: BP4, BP7

NM_000088.4(COL1A1):c.4227C>T (p.Ser1409=)

Gene: COL1A1 (collagen type I alpha 1 chain; minus strand). Cytogenetic location: 17q21.33.
Variant type: single nucleotide variant.
Coding change: c.4227C>T on transcript NM_000088.4 (MANE Select); coding-DNA position 4227, C replaced by T.
Protein change: p.Ser1409=; no amino-acid change (serine 1409 retained).
Molecular consequence: synonymous variant.
Genome position (GRCh38, 1-based): chr17:50,185,799, G>A on the plus strand (C>T on the coding strand, the complement: COL1A1 is on the minus strand). VCF-style: chr17-50185799-G-A. GRCh37 (hg19) VCF-style: chr17-48263160-G-A.
Other names: p.Ser1409=; c.4227C>T (NM_000088.3).
Identifiers: ClinVar variation 1593398 (VCV001593398.11), dbSNP rs552087944, ClinGen allele CA8644224.